The following is an entry in ClinVar:

NM_020738.4(KIDINS220):c.405+3A>G

Gene: KIDINS220 (kinase D interacting substrate 220; minus strand). Cytogenetic location: 2p25.1.
Variant type: single nucleotide variant.
Coding change: c.405+3A>G on transcript NM_020738.4 (MANE Select); 3 bases into the intron after coding-DNA position 405, A replaced by G.
Molecular consequence: intron variant.
Genome position (GRCh38, 1-based): chr2:8,813,234, T>C on the plus strand (A>G on the coding strand, the complement: KIDINS220 is on the minus strand). VCF-style: chr2-8813234-T-C. GRCh37 (hg19) VCF-style: chr2-8953364-T-C.
Other names: c.405+3A>G (NM_020738.2, NM_001348741.2, NM_001348738.2 and 10 more transcripts); c.279+3A>G (NM_001348736.2).
Identifiers: ClinVar variation 1950807 (VCV001950807.6), dbSNP rs755531927, ClinGen allele CA1520443.

ClinVar aggregate classification (germline): Uncertain significance. Review status: criteria provided, single submitter (1 of 4 stars). 2 submissions from 2 submitters: Uncertain significance (1). 1 of the submissions does not count toward it. Last evaluated 2025-11-02.

Conditions:
KIDINS220-related disorder. Also called: KIDINS220-related condition.

Allele frequency attached by ClinVar (database versions not stated): ExAC 0.00001; gnomAD 0.00001.

Submissions (2):

Labcorp Genetics (formerly Invitae), Labcorp
Classification: Uncertain significance. Last evaluated: 2025-11-02. Review status: criteria provided, single submitter. Criteria: Invitae Variant Classification Sherloc (09022015). Collection method: clinical testing. Allele origin: germline.
Comment: This sequence change falls in intron 5 of the KIDINS220 gene. It does not directly change the encoded amino acid sequence of the KIDINS220 protein. It affects a nucleotide within the consensus splice site. This variant is present in population databases (rs755531927, gnomAD 0.004%). This variant has not been reported in the literature in individuals affected with KIDINS220-related conditions. ClinVar contains an entry for this variant (Variation ID: 1950807). Variants that disrupt the consensus splice site are a relatively common cause of aberrant splicing (PMID: 17576681, 9536098). Algorithms developed to predict the effect of sequence changes on RNA splicing suggest that this variant may disrupt the consensus splice site. In summary, the available evidence is currently insufficient to determine the role of this variant in disease. Therefore, it has been classified as a Variant of Uncertain Significance.

PreventionGenetics, part of Exact Sciences
Classification: Likely benign for KIDINS220-related condition. Last evaluated: 2022-06-15. Review status: no assertion criteria provided. Collection method: clinical testing. Allele origin: germline. Not counted in ClinVar's aggregate classification.
Comment: This variant is classified as likely benign based on ACMG/AMP sequence variant interpretation guidelines (Richards et al. 2015 PMID: 25741868, with internal and published modifications).

Literature cited by the submitters: PubMed 17576681 (cited by Labcorp Genetics (formerly Invitae), Labcorp); PubMed 9536098 (cited by Labcorp Genetics (formerly Invitae), Labcorp).